The following is an entry in ClinVar:

NM_002303.6(LEPR):c.1564C>T (p.Leu522Phe)

Gene: LEPR (leptin receptor; plus strand). Cytogenetic location: 1p31.3.
Variant type: single nucleotide variant.
Coding change: c.1564C>T on transcript NM_002303.6 (MANE Select); coding-DNA position 1564, C replaced by T.
Protein change: p.Leu522Phe; replaces leucine 522 with phenylalanine.
Molecular consequence: missense variant.
Genome position (GRCh38, 1-based): chr1:65,605,198, C>T. VCF-style: chr1-65605198-C-T. GRCh37 (hg19) VCF-style: chr1-66070881-C-T.
Other names: c.1564C>T, p.Leu522Phe (NM_001003679.3, NM_001003680.3, NM_001198687.2 and 2 more transcripts); short protein forms L522F.
Identifiers: ClinVar variation 4995808 (VCV004995808.1).

ClinVar aggregate classification (germline): Uncertain significance (1 of 4 stars; one submission).

Conditions:
LEPR-related disorder. Also called: LEPR-related condition; LEPR-related disorders.

gnomAD v4.1: 1 of 1,614,166 alleles (0.000062%); highest among the groups gnomAD compares: Non-Finnish European, 0.000085%; no homozygotes.

Submission:

PreventionGenetics, part of Exact Sciences
Classification: Uncertain significance for LEPR-related condition. Last evaluated: 2026-06-21. Review status: criteria provided, single submitter. Criteria: ACMG Guidelines, 2015. Collection method: clinical testing. Allele origin: germline.
Comment: The LEPR c.1564C>T variant is predicted to result in the amino acid substitution p.Leu522Phe. To our knowledge, this variant has not been reported in the literature or in a large population database (gnomAD), indicating this variant is rare. At this time, the clinical significance of this variant is uncertain due to the absence of conclusive functional and genetic evidence.